The following is an entry in ClinVar:

ClinVar aggregate classification (germline): Pathogenic (1 of 4 stars; one submission).

Conditions:
Brachyolmia-amelogenesis imperfecta syndrome. Also called: Tooth agenesis, selective, 6; Dental anomalies and short stature; PLATYSPONDYLY WITH AMELOGENESIS IMPERFECTA. Identifiers: Orphanet 2899, MedGen C1832594, MONDO:0011018, OMIM 601216. Disease mechanism: loss of function.

Submission:

Labcorp Genetics (formerly Invitae), Labcorp
Classification: Pathogenic for Brachyolmia-amelogenesis imperfecta syndrome. Last evaluated: 2025-08-01. Review status: criteria provided, single submitter. Criteria: Invitae Variant Classification Sherloc (09022015). Collection method: clinical testing. Allele origin: germline.
Comment: This sequence change creates a premature translational stop signal (p.Arg5Glufs*65) in the LTBP3 gene. It is expected to result in an absent or disrupted protein product. Loss-of-function variants in LTBP3 are known to be pathogenic (PMID: 11790802, 19344874, 25669657). This variant is not present in population databases (gnomAD no frequency). This variant has not been reported in the literature in individuals affected with LTBP3-related conditions. For these reasons, this variant has been classified as Pathogenic.

Literature cited by the submitters: PubMed 11790802; PubMed 19344874; PubMed 25669657.

NM_001130144.3(LTBP3):c.9del (p.Arg5fs)

Gene: LTBP3 (latent transforming growth factor beta binding protein 3; minus strand). Cytogenetic location: 11q13.1.
Variant type: Deletion.
Coding change: c.9del on transcript NM_001130144.3 (MANE Select); coding-DNA position 9, one base deleted (G; older notation c.9delG).
Protein change: p.Arg5fs; shifts the reading frame from arginine 5.
Molecular consequence: frameshift variant. On other transcripts: 5 prime UTR variant (1).
Genome position (GRCh38, 1-based): chr11:65,557,951, C deleted on the plus strand (G on the coding strand, the reverse complement: LTBP3 is on the minus strand); the first of 3 consecutive C bases (chr11:65,557,951-65,557,953); deleting any one gives the same sequence. VCF-style (leftmost placement, unchanged base first): chr11-65557950-GC-G. GRCh37 (hg19) VCF-style: chr11-65325421-GC-G.
Other names: c.-339del (NM_001164266.1); c.9del, p.Arg5fs (NM_021070.4); short protein forms R5fs.
Identifiers: ClinVar variation 4740982 (VCV004740982.1).